The following is an entry in ClinVar:

ClinVar aggregate classification (germline): Pathogenic. Review status: criteria provided, multiple submitters, no conflicts (2 of 4 stars). 8 submissions from 8 submitters: Pathogenic (7). 1 of the submissions does not count toward it. Last evaluated 2025-12-31.

Conditions:
Autosomal recessive osteopetrosis 1. Also called: TCIRG1-Related Autosomal Recessive Osteopetrosis; TCIRG1-Related Osteopetrosis; ALBERS-SCHONBERG DISEASE, AUTOSOMAL RECESSIVE. Identifiers: Orphanet 667, MedGen C1850127, MONDO:0009815, OMIM 259700.

Allele frequency attached by ClinVar (database versions not stated): gnomAD exomes below 0.00001 and 0.00001; TOPMed 0.00002; gnomAD 0.00003 and 0.00004.
gnomAD v4.1: 19 of 1,612,162 alleles (0.0012%); highest among the groups gnomAD compares: Admixed American, 0.0033%; no homozygotes.

Submissions (8):

Natera, Inc.
Classification: Pathogenic for Infantile malignant osteopetrosis. Last evaluated: 2025-12-31. Review status: criteria provided, single submitter. Criteria: Natera Variant Classification Schema (03/2026). Collection method: clinical testing. Allele origin: germline.
Comment: The c.2236+1G>A variant in TCIRG1 is a canonical splice donor site variant predicted to affect pre-mRNA splicing, which may result in an abnormal transcript and altered protein product. This variant is expected to result in nonsense mediated decay, truncation, or a dysfunctional protein product. This variant is rare in the general population with a frequency below the threshold expected for the associated phenotype(s). This variant has been observed in one or more individuals affected with the associated recessive disease, as either homozygous or compound heterozygous with a second variant (PMID: 31794943). Given the available evidence, this variant is classified as Pathogenic.

Labcorp Genetics (formerly Invitae), Labcorp
Classification: Pathogenic. Last evaluated: 2024-05-29. Review status: criteria provided, single submitter. Criteria: Invitae Variant Classification Sherloc (09022015). Collection method: clinical testing. Allele origin: germline.
Comment: This sequence change affects a donor splice site in intron 18 of the TCIRG1 gene. It is expected to disrupt RNA splicing. Variants that disrupt the donor or acceptor splice site typically lead to a loss of protein function (PMID: 16199547), and loss-of-function variants in TCIRG1 are known to be pathogenic (PMID: 10888887, 10942435, 11532986, 19448635). This variant is not present in population databases (gnomAD no frequency). Disruption of this splice site has been observed in individual(s) with osteopetrosis (PMID: 11532986, 12552563, 20424301, 25018813, 31319225). In at least one individual the data is consistent with being in trans (on the opposite chromosome) from a pathogenic variant. It has also been observed to segregate with disease in related individuals. This variant is also known as G11279A or IVS18+1G>A. ClinVar contains an entry for this variant (Variation ID: 558226). Algorithms developed to predict the effect of sequence changes on RNA splicing suggest that this variant may disrupt the consensus splice site. For these reasons, this variant has been classified as Pathogenic.

Fulgent Genetics
Classification: Pathogenic for Autosomal recessive osteopetrosis 1. Last evaluated: 2024-04-10. Review status: criteria provided, single submitter. Criteria: ACMG Guidelines, 2015. Collection method: clinical testing. Allele origin: germline.

GeneDx
Classification: Pathogenic. Last evaluated: 2024-02-14. Review status: criteria provided, single submitter. Criteria: GeneDx Variant Classification Process June 2021. Collection method: clinical testing. Allele origin: germline. Affected: yes.
Comment: Canonical splice site variant predicted to result in a null allele in a gene for which loss-of-function is a known mechanism of disease; Not observed at significant frequency in large population cohorts (gnomAD); Also known as IVS18+1G>A; This variant is associated with the following publications: (PMID: 31319225, 25525159, 30898715, 25018813, 25330538, 31794943, 31589614, 34671977, 11532986, 12552563)

Baylor Genetics
Classification: Pathogenic for Autosomal recessive osteopetrosis 1. Last evaluated: 2024-02-12. Review status: criteria provided, single submitter. Criteria: ACMG Guidelines, 2015. Collection method: clinical testing. Allele origin: unknown.

Revvity Omics, Revvity
Classification: Pathogenic for Autosomal recessive osteopetrosis 1. Last evaluated: 2021-09-06. Review status: criteria provided, single submitter. Criteria: ACMG Guidelines, 2015. Collection method: clinical testing. Allele origin: germline.

Institute of Human Genetics, University of Leipzig Medical Center
Classification: Pathogenic for Autosomal recessive osteopetrosis 1. Last evaluated: 2018-11-01. Review status: criteria provided, single submitter. Criteria: ACMG Guidelines, 2015. Collection method: clinical testing. Allele origin: germline. Affected: yes. Observed: 1 variant allele.
Comment: This variant was identified as homozygous

Counsyl
Classification: Pathogenic for Autosomal recessive osteopetrosis 1. Last evaluated: 2018-05-07. Review status: no assertion criteria provided. Collection method: clinical testing. Allele origin: unknown. Not counted in ClinVar's aggregate classification.

Literature cited by the submitters: PubMed 31794943 (cited by Natera, Inc.); PubMed 16199547 (cited by Labcorp Genetics (formerly Invitae), Labcorp); PubMed 10888887 (cited by Labcorp Genetics (formerly Invitae), Labcorp); PubMed 10942435 (cited by Labcorp Genetics (formerly Invitae), Labcorp); PubMed 11532986 (cited by Labcorp Genetics (formerly Invitae), Labcorp and Counsyl); PubMed 19448635 (cited by Labcorp Genetics (formerly Invitae), Labcorp); PubMed 12552563 (cited by Labcorp Genetics (formerly Invitae), Labcorp and Counsyl); PubMed 20424301 (cited by Labcorp Genetics (formerly Invitae), Labcorp); PubMed 25018813 (cited by Labcorp Genetics (formerly Invitae), Labcorp and Counsyl); PubMed 31319225 (cited by Labcorp Genetics (formerly Invitae), Labcorp).

NM_006019.4(TCIRG1):c.2236+1G>A

Gene: TCIRG1 (T cell immune regulator 1, ATPase H+ transporting V0 subunit a3; plus strand). Cytogenetic location: 11q13.2.
Variant type: single nucleotide variant.
Coding change: c.2236+1G>A on transcript NM_006019.4 (MANE Select); the canonical splice donor site of the intron after coding-DNA position 2236, G replaced by A.
Molecular consequence: splice donor variant.
Genome position (GRCh38, 1-based): chr11:68,050,255, G>A. VCF-style: chr11-68050255-G-A. GRCh37 (hg19) VCF-style: chr11-67817722-G-A.
Other names: c.1342+1G>A (NM_001351059.2); c.1588+1G>A (NM_006053.4).
Identifiers: ClinVar variation 558226 (VCV000558226.24), dbSNP rs1475338876, ClinGen allele CA381590877.